The following is an entry in ClinVar:

NM_000186.4(CFH):c.629G>T (p.Cys210Phe)

Gene: CFH (complement factor H; plus strand). Cytogenetic location: 1q31.3.
Variant type: single nucleotide variant.
Coding change: c.629G>T on transcript NM_000186.4 (MANE Select); coding-DNA position 629, G replaced by T.
Protein change: p.Cys210Phe; replaces cysteine 210 with phenylalanine.
Molecular consequence: missense variant.
Genome position (GRCh38, 1-based): chr1:196,679,632, G>T. VCF-style: chr1-196679632-G-T. GRCh37 (hg19) VCF-style: chr1-196648762-G-T.
Other names: c.629G>T, p.Cys210Phe (NM_001014975.3); short protein forms C210F.
Identifiers: ClinVar variation 4526562 (VCV004526562.1).
Genomic context (GRCh38, chr1:196,679,632, plus strand): 5'-CAGTCCTTTAATTTGCAATAAACATTTTGGAATTTAATCCCTTTTATTTAGAAATTTCAT[G>T]CAAATCCCCAGATGTTATAAATGGATCTCCTATATCTCAGAAGATTATTTATAAGGAGAA-3'
Protein context (NP_000177.2, residues 200-220): KEKPKCVEIS[Cys210Phe]KSPDVINGSP

ClinVar aggregate classification (germline): Likely pathogenic (1 of 4 stars; one submission).

Conditions:
Hemolytic uremic syndrome, atypical, susceptibility to, 1. Also called: AHUS, SUSCEPTIBILITY TO, 1. Identifiers: Orphanet 2134, Orphanet 90038, MedGen C2749604, MONDO:0009335, OMIM 235400. Disease mechanism: Other.

Submission:

MVZ Medizinische Genetik Mainz
Classification: Likely pathogenic for Hemolytic uremic syndrome, atypical, susceptibility to, 1. Last evaluated: 2025-10-07. Review status: criteria provided, single submitter. Criteria: UK Practice Guidelines For Variant Classification V4 01 2020. Collection method: clinical testing. Allele origin: germline. Inheritance: Autosomal dominant inheritance. Affected: yes. Observed: 1 variant allele.
Comment: ACMG Criteria: PM1_STR,PP3_MOD,PM2_SUP,PP4